The following is an entry in ClinVar:

NM_032520.5(GNPTG):c.853G>A (p.Glu285Lys)

Gene: GNPTG (N-acetylglucosamine-1-phosphate transferase subunit gamma; plus strand). Cytogenetic location: 16p13.3.
Variant type: single nucleotide variant.
Coding change: c.853G>A on transcript NM_032520.5 (MANE Select); coding-DNA position 853, G replaced by A.
Protein change: p.Glu285Lys; replaces glutamic acid 285 with lysine.
Molecular consequence: missense variant.
Genome position (GRCh38, 1-based): chr16:1,363,026, G>A. VCF-style: chr16-1363026-G-A. GRCh37 (hg19) VCF-style: chr16-1413027-G-A.
Other names: short protein forms E285K.
Identifiers: ClinVar variation 1404788 (VCV001404788.5), dbSNP rs772723751, ClinGen allele CA7808005.

ClinVar aggregate classification (germline): Uncertain significance (1 of 4 stars; one submission).

Allele frequency attached by ClinVar (database versions not stated): ExAC 0.00002.
gnomAD v4.1: 6 of 1,613,918 alleles (0.00037%); highest among the groups gnomAD compares: East Asian, 0.0022%; no homozygotes.

Submission:

Labcorp Genetics (formerly Invitae), Labcorp
Classification: Uncertain significance. Last evaluated: 2022-10-13. Review status: criteria provided, single submitter. Criteria: Invitae Variant Classification Sherloc (09022015). Collection method: clinical testing. Allele origin: germline.
Comment: This sequence change replaces glutamic acid, which is acidic and polar, with lysine, which is basic and polar, at codon 285 of the GNPTG protein (p.Glu285Lys). This variant is present in population databases (rs772723751, gnomAD 0.005%). This variant has not been reported in the literature in individuals affected with GNPTG-related conditions. ClinVar contains an entry for this variant (Variation ID: 1404788). Advanced modeling of protein sequence and biophysical properties (such as structural, functional, and spatial information, amino acid conservation, physicochemical variation, residue mobility, and thermodynamic stability) performed at Invitae indicates that this missense variant is not expected to disrupt GNPTG protein function. In summary, the available evidence is currently insufficient to determine the role of this variant in disease. Therefore, it has been classified as a Variant of Uncertain Significance.